The following is an entry in ClinVar:

NM_004646.4(NPHS1):c.2228G>A (p.Arg743His)

Gene: NPHS1 (NPHS1 adhesion molecule, nephrin; minus strand). Cytogenetic location: 19q13.12.
Variant type: single nucleotide variant.
Coding change: c.2228G>A on transcript NM_004646.4 (MANE Select); coding-DNA position 2228, G replaced by A.
Protein change: p.Arg743His; replaces arginine 743 with histidine.
Molecular consequence: missense variant.
Genome position (GRCh38, 1-based): chr19:35,843,578, C>T on the plus strand (G>A on the coding strand, the complement: NPHS1 is on the minus strand). VCF-style: chr19-35843578-C-T. GRCh37 (hg19) VCF-style: chr19-36334480-C-T.
Other names: short protein forms R743H.
Identifiers: ClinVar variation 2141065 (VCV002141065.5), dbSNP rs770750372, ClinGen allele CA9390190.
Genomic context (GRCh38, chr19:35,843,578, plus strand): 5'-ACAGTGCAGACTATGTCCACAGAACCCCCGACGTTCACCTCAGTGGGGTCCTGGAGGGCA[C>T]GGATGGTGGGAGCATCTGGTGGAAGGCAGAGGCTTGGGGAAGACACTTGGGCCCAGACAG-3'
Protein context (NP_004637.1, residues 733-753): RLDVHYAPTI[Arg743His]ALQDPTEVNV

ClinVar aggregate classification (germline): Conflicting classifications of pathogenicity. Review status: criteria provided, conflicting classifications (1 of 4 stars). 2 submissions from 2 submitters: Uncertain significance (1); Likely benign (1). Last evaluated 2026-07-10.

Conditions:
Finnish congenital nephrotic syndrome (NPHS1). Also called: NEPHROTIC SYNDROME, TYPE 1. Identifiers: Orphanet 839, MedGen C0403399, MONDO:0009732, OMIM 256300.

Allele frequency attached by ClinVar (database versions not stated): ExAC 0.00002; TOPMed 0.00002.
gnomAD v4.1: 14 of 1,613,964 alleles (0.00087%); highest among the groups gnomAD compares: East Asian, 0.013%; no homozygotes.

Submissions (2):

Myriad Genetics, Inc.
Classification: Uncertain significance for Finnish congenital nephrotic syndrome. Last evaluated: 2026-07-10. Review status: criteria provided, single submitter. Criteria: Myriad Autosomal Dominant, Autosomal Recessive and X-Linked Classification Criteria (2023). Collection method: clinical testing. Allele origin: unknown.
Comment: NM_004646.3(NPHS1):c.2228G>A(R743H) is a missense variant classified as a variant of uncertain significance in the context of nephrotic syndrome, NPHS1-related. R743H has not been observed in cases with relevant disease. Relevant functional assessments of this variant are not available in the literature. R743H has been observed in referenced population frequency databases. In summary, there is insufficient evidence to classify NM_004646.3(NPHS1):c.2228G>A(R743H) as pathogenic or benign. Please note: this variant was assessed in the context of healthy population screening.

Labcorp Genetics (formerly Invitae), Labcorp
Classification: Likely benign. Last evaluated: 2025-11-16. Review status: criteria provided, single submitter. Criteria: Invitae Variant Classification Sherloc (09022015). Collection method: clinical testing. Allele origin: germline.